The following is an entry in ClinVar:

ClinVar aggregate classification (germline): Uncertain significance. Review status: criteria provided, multiple submitters, no conflicts (2 of 4 stars). 2 submissions from 2 submitters: Uncertain significance (2). Last evaluated 2025-01-28.

Allele frequency attached by ClinVar (database versions not stated): gnomAD 0.00001; TOPMed 0.00001.
gnomAD v4.1: 1 of 1,613,986 alleles (0.000062%); highest among the groups gnomAD compares: African/African-American, 0.0013%; no homozygotes.

Submissions (2):

GeneDx
Classification: Uncertain significance. Last evaluated: 2025-01-28. Review status: criteria provided, single submitter. Criteria: GeneDx Variant Classification Process June 2021. Collection method: clinical testing. Allele origin: germline.
Comment: Not observed at significant frequency in large population cohorts (gnomAD); In silico analysis supports that this missense variant has a deleterious effect on protein structure/function; Has not been previously published as pathogenic or benign to our knowledge

Labcorp Genetics (formerly Invitae), Labcorp
Classification: Uncertain significance. Last evaluated: 2019-07-29. Review status: criteria provided, single submitter. Criteria: Invitae Variant Classification Sherloc (09022015). Collection method: clinical testing. Allele origin: germline.
Comment: In summary, the available evidence is currently insufficient to determine the role of this variant in disease. Therefore, it has been classified as a Variant of Uncertain Significance. This sequence change replaces threonine with serine at codon 368 of the SCN3A protein (p.Thr368Ser). The threonine residue is highly conserved and there is a small physicochemical difference between threonine and serine. This variant is not present in population databases (ExAC no frequency). This variant has not been reported in the literature in individuals with SCN3A-related conditions. Algorithms developed to predict the effect of missense changes on protein structure and function are either unavailable or do not agree on the potential impact of this missense change (SIFT: "Tolerated"; PolyPhen-2: "Probably Damaging"; Align-GVGD: "Class C0").

NM_006922.4(SCN3A):c.1103C>G (p.Thr368Ser)

Gene: SCN3A (sodium voltage-gated channel alpha subunit 3; minus strand). Cytogenetic location: 2q24.3.
Variant type: single nucleotide variant.
Coding change: c.1103C>G on transcript NM_006922.4 (MANE Select); coding-DNA position 1103, C replaced by G.
Protein change: p.Thr368Ser; replaces threonine 368 with serine.
Molecular consequence: missense variant.
Genome position (GRCh38, 1-based): chr2:165,155,832, G>C on the plus strand (C>G on the coding strand, the complement: SCN3A is on the minus strand). VCF-style: chr2-165155832-G-C. GRCh37 (hg19) VCF-style: chr2-166012342-G-C.
Other names: c.1103C>G, p.Thr368Ser (NM_001081676.2, NM_001081677.2); short protein forms T368S.
Identifiers: ClinVar variation 963408 (VCV000963408.11), dbSNP rs769077073, ClinGen allele CA349238512.
Genomic context (GRCh38, chr2:165,155,832, plus strand): 5'-AGATTTTCCCAGTAGTCTTGAGTCATGAGTCGAAATAGAGACAGGAAAGCCCAGCTAAAG[G>C]TGTCAAAGCTTGTGTAGCCATAGTTGGGGTTTCGACCAGCCTTCACACAGATGTATCCTT-3'
Protein context (NP_008853.3, residues 358-378): NPNYGYTSFD[Thr368Ser]FSWAFLSLFR